The following is an entry in ClinVar:

ClinVar aggregate classification (germline): Uncertain significance (1 of 4 stars; one submission).

Conditions:
Amyotrophic lateral sclerosis type 10 (ALS10). Also called: AMYOTROPHIC LATERAL SCLEROSIS 10 WITHOUT FRONTOTEMPORAL DEMENTIA AND WITH TDP43 INCLUSIONS; AMYOTROPHIC LATERAL SCLEROSIS 10 WITH OR WITHOUT FRONTOTEMPORAL DEMENTIA AND WITH TDP43 INCLUSIONS; AMYOTROPHIC LATERAL SCLEROSIS 10 WITH OR WITHOUT FRONTOTEMPORAL DEMENTIA; TARDBP-Related Amyotrophic Lateral Sclerosis-Frontotemporal Dementia; Amyotrophic lateral sclerosis 10, with or without FTD. Identifiers: Orphanet 275872, Orphanet 803, MedGen C2677565, MONDO:0012790, OMIM 612069.
FRONTOTEMPORAL LOBAR DEGENERATION WITH TDP43 INCLUSIONS, TARDBP-RELATED. Also called: Frontotemporal lobar degeneration, TARDBP-related. Identifiers: MedGen C3150169, OMIM 612069.

Submission:

Labcorp Genetics (formerly Invitae), Labcorp
Classification: Uncertain significance for Amyotrophic lateral sclerosis type 10; FRONTOTEMPORAL LOBAR DEGENERATION WITH TDP43 INCLUSIONS, TARDBP-RELATED. Last evaluated: 2024-05-29. Review status: criteria provided, single submitter. Criteria: Invitae Variant Classification Sherloc (09022015). Collection method: clinical testing. Allele origin: germline.
Comment: This sequence change replaces aspartic acid, which is acidic and polar, with phenylalanine, which is neutral and non-polar, at codon 169 of the TARDBP protein (p.Asp169Phe). Information on the frequency of this variant in the gnomAD database is not available, as this variant may be reported differently in the database. This variant has not been reported in the literature in individuals affected with TARDBP-related conditions. An algorithm developed to predict the effect of missense changes on protein structure and function (PolyPhen-2) suggests that this variant is likely to be disruptive. In summary, the available evidence is currently insufficient to determine the role of this variant in disease. Therefore, it has been classified as a Variant of Uncertain Significance.

NM_007375.4(TARDBP):c.505_506delinsTT (p.Asp169Phe)

Gene: TARDBP (TAR DNA binding protein; plus strand). Cytogenetic location: 1p36.22.
Variant type: Indel.
Coding change: c.505_506delinsTT on transcript NM_007375.4 (MANE Select); coding-DNA positions 505 to 506, GA replaced by TT.
Protein change: p.Asp169Phe; replaces aspartic acid 169 with phenylalanine.
Molecular consequence: missense variant.
Genome position (GRCh38, 1-based): chr1:11,018,835-11,018,836, GA replaced by TT. VCF-style: chr1-11018835-GA-TT. GRCh37 (hg19) VCF-style: chr1-11078892-GA-TT.
Other names: short protein forms D169F.
Identifiers: ClinVar variation 2940917 (VCV002940917.3), dbSNP rs2521310040, ClinGen allele CA2740090587.